The following is an entry in ClinVar:

NM_001277115.2(DNAH11):c.4817+6A>C

Gene: DNAH11 (dynein axonemal heavy chain 11; plus strand). Cytogenetic location: 7p15.3.
Variant type: single nucleotide variant.
Coding change: c.4817+6A>C on transcript NM_001277115.2 (MANE Select); 6 bases into the intron after coding-DNA position 4817, A replaced by C.
Molecular consequence: intron variant.
Genome position (GRCh38, 1-based): chr7:21,637,708, A>C. VCF-style: chr7-21637708-A-C. GRCh37 (hg19) VCF-style: chr7-21677326-A-C.
Identifiers: ClinVar variation 1517917 (VCV001517917.6), dbSNP rs1006884453, ClinGen allele CA155068569.

ClinVar aggregate classification (germline): Uncertain significance (1 of 4 stars; one submission).

Conditions:
Primary ciliary dyskinesia. Also called: Ciliary dyskinesia. Identifiers: Orphanet 244, MedGen C0008780, MONDO:0016575, HP:0012265.

Allele frequency attached by ClinVar (database versions not stated): TOPMed below 0.00001; gnomAD 0.00001.
gnomAD v4.1: 9 of 1,512,512 alleles (0.0006%); highest among the groups gnomAD compares: Non-Finnish European, 0.0008%; no homozygotes.

Submission:

Labcorp Genetics (formerly Invitae), Labcorp
Classification: Uncertain significance for Primary ciliary dyskinesia. Last evaluated: 2025-02-27. Review status: criteria provided, single submitter. Criteria: Invitae Variant Classification Sherloc (09022015). Collection method: clinical testing. Allele origin: germline.
Comment: This sequence change falls in intron 27 of the DNAH11 gene. It does not directly change the encoded amino acid sequence of the DNAH11 protein. It affects a nucleotide within the consensus splice site. This variant is not present in population databases (gnomAD no frequency). This variant has not been reported in the literature in individuals affected with DNAH11-related conditions. ClinVar contains an entry for this variant (Variation ID: 1517917). Variants that disrupt the consensus splice site are a relatively common cause of aberrant splicing (PMID: 17576681, 9536098). Algorithms developed to predict the effect of sequence changes on RNA splicing suggest that this variant is not likely to affect RNA splicing. In summary, the available evidence is currently insufficient to determine the role of this variant in disease. Therefore, it has been classified as a Variant of Uncertain Significance.

Literature cited by the submitters: PubMed 17576681; PubMed 9536098.